The following is an entry in ClinVar:

NM_022114.4(PRDM16):c.3431C>A (p.Ser1144Tyr)

Gene: PRDM16 (PR/SET domain 16; plus strand). Cytogenetic location: 1p36.32.
Variant type: single nucleotide variant.
Coding change: c.3431C>A on transcript NM_022114.4 (MANE Select); coding-DNA position 3431, C replaced by A.
Protein change: p.Ser1144Tyr; replaces serine 1144 with tyrosine.
Molecular consequence: missense variant.
Genome position (GRCh38, 1-based): chr1:3,431,018, C>A. VCF-style: chr1-3431018-C-A. GRCh37 (hg19) VCF-style: chr1-3347582-C-A.
Other names: c.3431C>A, p.Ser1144Tyr (NM_199454.3); short protein forms S1144Y.
Identifiers: ClinVar variation 1309195 (VCV001309195.6), dbSNP rs755257030, ClinGen allele CA544867.

ClinVar aggregate classification (germline): Uncertain significance. Review status: criteria provided, multiple submitters, no conflicts (2 of 4 stars). 2 submissions from 2 submitters: Uncertain significance (2). Last evaluated 2025-04-09.

Conditions:
Left ventricular noncompaction 8 (LVNC8). Identifiers: Orphanet 154, Orphanet 54260, MedGen C3809288, MONDO:0014152, OMIM 615373.

Allele frequency attached by ClinVar (database versions not stated): gnomAD 0.00001 and 0.00002; TOPMed 0.00005; gnomAD exomes 0.00006 and 0.00007; ExAC 0.00008; 1000 Genomes Project 30x 0.00016.
gnomAD v4.1: 43 of 1,576,928 alleles (0.0027%); highest among the groups gnomAD compares: East Asian, 0.096%; no homozygotes.

Submissions (2):

Labcorp Genetics (formerly Invitae), Labcorp
Classification: Uncertain significance for Left ventricular noncompaction 8. Last evaluated: 2025-04-09. Review status: criteria provided, single submitter. Criteria: Invitae Variant Classification Sherloc (09022015). Collection method: clinical testing. Allele origin: germline.
Comment: This sequence change replaces serine, which is neutral and polar, with tyrosine, which is neutral and polar, at codon 1144 of the PRDM16 protein (p.Ser1144Tyr). This variant is present in population databases (rs755257030, gnomAD 0.07%), and has an allele count higher than expected for a pathogenic variant. This variant has not been reported in the literature in individuals affected with PRDM16-related conditions. ClinVar contains an entry for this variant (Variation ID: 1309195). An algorithm developed to predict the effect of missense changes on protein structure and function (PolyPhen-2) suggests that this variant is likely to be disruptive. In summary, the available evidence is currently insufficient to determine the role of this variant in disease. Therefore, it has been classified as a Variant of Uncertain Significance.

GeneDx
Classification: Uncertain significance. Last evaluated: 2019-10-10. Review status: criteria provided, single submitter. Criteria: GeneDx Variant Classification Process June 2021. Collection method: clinical testing. Allele origin: germline. Affected: yes.
Comment: Has not been previously published as pathogenic or benign to our knowledge; In silico analysis, which includes protein predictors and evolutionary conservation, supports a deleterious effect